The following is an entry in ClinVar:

ClinVar aggregate classification (germline): Pathogenic (1 of 4 stars; one submission).

Submission:

GeneDx
Classification: Pathogenic. Last evaluated: 2016-04-25. Review status: criteria provided, single submitter. Criteria: GeneDx Variant Classification (06012015). Collection method: clinical testing. Allele origin: germline. Affected: yes.
Comment: The C974X pathogenic variant in the ASPM gene is predicted to cause loss of normal protein function either through protein truncation or nonsense-mediated mRNA decay. It was not observed in approximately 6,500 individuals of European and African American ancestry in the NHLBI Exome Sequencing Project, indicating it is not a common benign variant in these populations. Although the C974X variant has not been reported previously to our knowledge, other nonsense variants have been reported in the ASPM gene in association with primary microcephaly (Stenson et al., 2014).

NM_018136.5(ASPM):c.2922T>A (p.Cys974Ter)

Gene: ASPM (assembly factor for spindle microtubules; minus strand). Cytogenetic location: 1q31.3.
Variant type: single nucleotide variant.
Coding change: c.2922T>A on transcript NM_018136.5 (MANE Select); coding-DNA position 2922, T replaced by A.
Protein change: p.Cys974Ter; replaces cysteine 974 with a stop codon.
Molecular consequence: nonsense.
Genome position (GRCh38, 1-based): chr1:197,128,504, A>T on the plus strand (T>A on the coding strand, the complement: ASPM is on the minus strand). VCF-style: chr1-197128504-A-T. GRCh37 (hg19) VCF-style: chr1-197097634-A-T.
Other names: c.2922T>A, p.Cys974Ter (NM_001206846.2); short protein forms C974*.
Identifiers: ClinVar variation 280532 (VCV000280532.2), dbSNP rs886041720, ClinGen allele CA10602764.